The following is an entry in ClinVar:

ClinVar aggregate classification (germline): Uncertain significance (1 of 4 stars; one submission).

Conditions:
Long QT syndrome (LQTS). Identifiers: MedGen C0023976, MeSH D008133, MONDO:0002442. Disease mechanism: loss of function. Inheritance: Various modes of inheritance.

Allele frequency attached by ClinVar (database versions not stated): gnomAD 0.00001 and 0.00003; gnomAD exomes 0.00001; TOPMed 0.00001.
gnomAD v4.1: 7 of 1,613,980 alleles (0.00043%); highest among the groups gnomAD compares: Admixed American, 0.0067%; 1 homozygote.

Submission:

Labcorp Genetics (formerly Invitae), Labcorp
Classification: Uncertain significance for Long QT syndrome. Last evaluated: 2025-10-17. Review status: criteria provided, single submitter. Criteria: Invitae Variant Classification Sherloc (09022015). Collection method: clinical testing. Allele origin: germline.
Comment: This sequence change replaces alanine, which is neutral and non-polar, with threonine, which is neutral and polar, at codon 3167 of the ANK2 protein (p.Ala3167Thr). This variant is not present in population databases (gnomAD no frequency). This variant has not been reported in the literature in individuals affected with ANK2-related conditions. ClinVar contains an entry for this variant (Variation ID: 1052189). An algorithm developed to predict the effect of missense changes on protein structure and function outputs the following: PolyPhen-2: "Benign". The threonine amino acid residue is found in multiple mammalian species, which suggests that this missense change does not adversely affect protein function. In summary, the available evidence is currently insufficient to determine the role of this variant in disease. Therefore, it has been classified as a Variant of Uncertain Significance.

NM_001148.6(ANK2):c.9499G>A (p.Ala3167Thr)

Gene: ANK2 (ankyrin 2; plus strand). Cytogenetic location: 4q26.
Variant type: single nucleotide variant.
Coding change: c.9499G>A on transcript NM_001148.6 (MANE Select); coding-DNA position 9499, G replaced by A.
Protein change: p.Ala3167Thr; replaces alanine 3167 with threonine.
Molecular consequence: missense variant. On other transcripts: intron variant (68).
Genome position (GRCh38, 1-based): chr4:113,358,117, G>A. VCF-style: chr4-113358117-G-A. GRCh37 (hg19) VCF-style: chr4-114279273-G-A.
Other names: c.4412-2706G>A (NM_001386148.2, NM_001386186.2); c.4214-2706G>A (NM_001354269.3); c.4292-2706G>A (NM_001386187.2); c.4253-2706G>A (NM_001386147.1); c.4271-2706G>A (NM_001386160.1); c.4376-2706G>A (NM_001354254.2); c.4397-2706G>A (NM_001354239.2, NM_001354252.2); c.4298-2706G>A (NM_001354272.2); and 35 more; short protein forms A1967T, A3089T, A3167T, A3206T, A3214T.
Identifiers: ClinVar variation 1052189 (VCV001052189.5), dbSNP rs868306842, ClinGen allele CA103817483.
Genomic context (GRCh38, chr4:113,358,117, plus strand): 5'-GTGAAAGAAGGGGCTACTGGGGCTGATCCCCTACCGCTGGAGACATCAGCTGAATCACTA[G>A]CACTTTCAGAATCAAAAGAAACAGTGGATGATGAGGCAGACTTACTTCCAGATGACGTGA-3'
Protein context (NP_001139.3, residues 3157-3177): LPLETSAESL[Ala3167Thr]LSESKETVDD